The following is an entry in ClinVar:

ClinVar aggregate classification (germline): Uncertain significance (1 of 4 stars; one submission).

gnomAD v4.1: 1 of 1,614,208 alleles (0.000062%); highest among the groups gnomAD compares: African/African-American, 0.0013%; no homozygotes.

Submission:

Labcorp Genetics (formerly Invitae), Labcorp
Classification: Uncertain significance. Last evaluated: 2024-11-06. Review status: criteria provided, single submitter. Criteria: Invitae Variant Classification Sherloc (09022015). Collection method: clinical testing. Allele origin: germline.
Comment: This sequence change replaces serine, which is neutral and polar, with arginine, which is basic and polar, at codon 1199 of the COL4A1 protein (p.Ser1199Arg). This variant is not present in population databases (gnomAD no frequency). This variant has not been reported in the literature in individuals affected with COL4A1-related conditions. Invitae Evidence Modeling of protein sequence and biophysical properties (such as structural, functional, and spatial information, amino acid conservation, physicochemical variation, residue mobility, and thermodynamic stability) indicates that this missense variant is not expected to disrupt COL4A1 protein function with a negative predictive value of 95%. In summary, the available evidence is currently insufficient to determine the role of this variant in disease. Therefore, it has been classified as a Variant of Uncertain Significance.

NM_001845.6(COL4A1):c.3597C>A (p.Ser1199Arg)

Gene: COL4A1 (collagen type IV alpha 1 chain; minus strand). Cytogenetic location: 13q34.
Variant type: single nucleotide variant.
Coding change: c.3597C>A on transcript NM_001845.6 (MANE Select); coding-DNA position 3597, C replaced by A.
Protein change: p.Ser1199Arg; replaces serine 1199 with arginine.
Molecular consequence: missense variant.
Genome position (GRCh38, 1-based): chr13:110,170,692, G>T on the plus strand (C>A on the coding strand, the complement: COL4A1 is on the minus strand). VCF-style: chr13-110170692-G-T. GRCh37 (hg19) VCF-style: chr13-110823039-G-T.
Other names: short protein forms S1199R.
Identifiers: ClinVar variation 3648626 (VCV003648626.2).